The following is an entry in ClinVar:

NM_003073.5(SMARCB1):c.790A>G (p.Ile264Val)

Gene: SMARCB1 (SWI/SNF related BAF chromatin remodeling complex subunit B1; plus strand). Cytogenetic location: 22q11.23.
Variant type: single nucleotide variant.
Coding change: c.790A>G on transcript NM_003073.5 (MANE Select); coding-DNA position 790, A replaced by G.
Protein change: p.Ile264Val; replaces isoleucine 264 with valine.
Molecular consequence: missense variant.
Genome position (GRCh38, 1-based): chr22:23,816,931, A>G. VCF-style: chr22-23816931-A-G. GRCh37 (hg19) VCF-style: chr22-24159118-A-G.
Other names: c.790A>G (LRG_520t1); c.763A>G, p.Ile255Val (NM_001007468.3); c.817A>G, p.Ile273Val (NM_001317946.2); c.844A>G, p.Ile282Val (NM_001362877.2); short protein forms I264V, I255V, I273V, I282V.
Identifiers: ClinVar variation 580688 (VCV000580688.15), dbSNP rs887245809, ClinGen allele CA322568020.
Genomic context (GRCh38, chr22:23,816,931, plus strand): 5'-CAGATCGAGTCCTACCCCACGGACAGCATCCTGGAGGACCAGTCAGACCAGCGCGTCATC[A>G]TCAAGGTAGGTGACTTCTCACCCAGCACTGGAGCCTTCCTGGCCCTCAGGGTGGGTGTCA-3'
Protein context (NP_003064.2, residues 254-274): LEDQSDQRVI[Ile264Val]KLNIHVGNIS

ClinVar aggregate classification (germline): Conflicting classifications of pathogenicity. Review status: criteria provided, conflicting classifications (1 of 4 stars). 3 submissions from 3 submitters: Uncertain significance (2); Likely benign (1). Last evaluated 2025-08-10.

Conditions:
Rhabdoid tumor predisposition syndrome 1 (RTPS1). Also called: Familial Posterior Fossa Brain Tumor of Infancy. Identifiers: Orphanet 231108, Orphanet 69077, MedGen C1836327, MONDO:0012252, OMIM 609322.
SMARCB1-related schwannomatosis. Also called: Schwannomatosis 1; SWNTS1. Identifiers: Orphanet 93921, MedGen C4048809, MONDO:0024517, OMIM 162091. Disease mechanism: loss of function.
Intellectual disability, autosomal dominant 15 (CSS3). Also called: COFFIN-SIRIS SYNDROME 3. Identifiers: Orphanet 1465, MedGen C3553248, MONDO:0013820, OMIM 614608.
Hereditary cancer-predisposing syndrome. Also called: Neoplastic Syndromes, Hereditary; Tumor predisposition; Hereditary neoplastic syndrome; Hereditary Cancer Syndrome. Identifiers: Orphanet 140162, MedGen C0027672, MeSH D009386, MONDO:0015356.

Allele frequency attached by ClinVar (database versions not stated): gnomAD exomes below 0.00001; gnomAD 0.00001; TOPMed 0.00001.
gnomAD v4.1: 4 of 1,613,692 alleles (0.00025%); highest among the groups gnomAD compares: African/African-American, 0.0013%; no homozygotes.

Submissions (3):

Labcorp Genetics (formerly Invitae), Labcorp
Classification: Uncertain significance. Last evaluated: 2025-08-10. Review status: criteria provided, single submitter. Criteria: Invitae Variant Classification Sherloc (09022015). Collection method: clinical testing. Allele origin: germline.
Comment: This sequence change replaces isoleucine, which is neutral and non-polar, with valine, which is neutral and non-polar, at codon 264 of the SMARCB1 protein (p.Ile264Val). This variant is present in population databases (no rsID available, gnomAD 0.007%). This variant has not been reported in the literature in individuals affected with SMARCB1-related conditions. ClinVar contains an entry for this variant (Variation ID: 580688). Invitae Evidence Modeling of protein sequence and biophysical properties (such as structural, functional, and spatial information, amino acid conservation, physicochemical variation, residue mobility, and thermodynamic stability) indicates that this missense variant is not expected to disrupt SMARCB1 protein function with a negative predictive value of 80%. In summary, the available evidence is currently insufficient to determine the role of this variant in disease. Therefore, it has been classified as a Variant of Uncertain Significance.

Ambry Genetics
Classification: Likely benign for Hereditary cancer-predisposing syndrome. Last evaluated: 2025-04-10. Review status: criteria provided, single submitter. Criteria: Ambry Variant Classification Scheme 2023. Collection method: clinical testing. Allele origin: germline.

Fulgent Genetics
Classification: Uncertain significance for SMARCB1-related schwannomatosis; Rhabdoid tumor predisposition syndrome 1; Intellectual disability, autosomal dominant 15. Last evaluated: 2024-03-22. Review status: criteria provided, single submitter. Criteria: ACMG Guidelines, 2015. Collection method: clinical testing. Allele origin: germline.